The following is an entry in ClinVar:

NM_005912.3(MC4R):c.89C>T (p.Ser30Phe)

Gene: MC4R (melanocortin 4 receptor; minus strand). Cytogenetic location: 18q21.32.
Variant type: single nucleotide variant.
Coding change: c.89C>T on transcript NM_005912.3 (MANE Select); coding-DNA position 89, C replaced by T.
Protein change: p.Ser30Phe; replaces serine 30 with phenylalanine.
Molecular consequence: missense variant.
Genome position (GRCh38, 1-based): chr18:60,372,261, G>A on the plus strand (C>T on the coding strand, the complement: MC4R is on the minus strand). VCF-style: chr18-60372261-G-A. GRCh37 (hg19) VCF-style: chr18-58039494-G-A.
Other names: short protein forms S30F.
Identifiers: ClinVar variation 2634239 (VCV002634239.5), dbSNP rs13447323, ClinGen allele CA8980989.

ClinVar aggregate classification (germline): Uncertain significance. Review status: criteria provided, multiple submitters, no conflicts (2 of 4 stars). 2 submissions from 2 submitters: Uncertain significance (2). Last evaluated 2026-01-07.

Conditions:
MC4R-related disorder. Also called: MC4R-related condition.

Allele frequency attached by ClinVar (database versions not stated): TOPMed 0.00006; gnomAD 0.00007; ExAC 0.00008; ESP Exome Variant Server 0.00008; gnomAD exomes 0.00012.

Submissions (2):

PreventionGenetics, part of Exact Sciences
Classification: Uncertain significance for MC4R-related condition. Last evaluated: 2026-01-07. Review status: criteria provided, single submitter. Criteria: ACMG Guidelines, 2015. Collection method: clinical testing. Allele origin: germline.
Comment: The MC4R c.89C>T variant is predicted to result in the amino acid substitution p.Ser30Phe. This variant has been reported in individuals with obesity (Hinney et al. 1999. PubMed ID: 10199800; Calton et al. 2009. PubMed ID: 19091795), and one family study showed that the variant segregated in members with variable obesity-related phenotypes (Gimeno-Ferrer et al. 2019. PubMed ID: 30981838). However, multiple functional studies have repeatedly shown that this variant has no impact on protein function (Hinney et al. 2003. PubMed ID: 12970296; Xiang et al. 2006. PubMed ID: 16752916; He et al. 2014. PubMed ID: 25332687; Lubrano-Berthelier et al. 2003. PubMed ID: 12499395). In a separate study, the p.Ser30Phe variant was reported on the same allele with a second MCR4 variant (Gly252Ser) in an obese individual (Lubrano-Berthelier et al. 2003. PubMed ID: 12499395). Functional analysis of constructs containing both variants (Ser30Phe/Gly252Ser) showed an alteration of protein membrane expression (Lubrano-Berthelier et al. 2003. PubMed ID: 12499395). This variant is reported in 0.017% of alleles in individuals of Latino descent in gnomAD. At this time, the clinical significance of this variant is uncertain due to the absence of conclusive functional and genetic evidence.

Labcorp Genetics (formerly Invitae), Labcorp
Classification: Uncertain significance. Last evaluated: 2025-09-08. Review status: criteria provided, single submitter. Criteria: Invitae Variant Classification Sherloc (09022015). Collection method: clinical testing. Allele origin: germline.
Comment: This sequence change replaces serine, which is neutral and polar, with phenylalanine, which is neutral and non-polar, at codon 30 of the MC4R protein (p.Ser30Phe). This variant is present in population databases (rs13447323, gnomAD 0.01%). This missense change has been observed in individual(s) with obesity (PMID: 10199800, 15466016, 17492953, 19091795, 30981838). ClinVar contains an entry for this variant (Variation ID: 2634239). Invitae Evidence Modeling of protein sequence and biophysical properties (such as structural, functional, and spatial information, amino acid conservation, physicochemical variation, residue mobility, and thermodynamic stability) indicates that this missense variant is not expected to disrupt MC4R protein function with a negative predictive value of 95%. Experimental studies have shown that this missense change does not substantially affect MC4R function (PMID: 12499395, 12970296, 14764812, 16752916, 25332687, 31002796). In summary, the available evidence is currently insufficient to determine the role of this variant in disease. Therefore, it has been classified as a Variant of Uncertain Significance.

Literature cited by the submitters: PubMed 10199800 (cited by Labcorp Genetics (formerly Invitae), Labcorp); PubMed 15466016 (cited by Labcorp Genetics (formerly Invitae), Labcorp); PubMed 17492953 (cited by Labcorp Genetics (formerly Invitae), Labcorp); PubMed 19091795 (cited by Labcorp Genetics (formerly Invitae), Labcorp); PubMed 30981838 (cited by Labcorp Genetics (formerly Invitae), Labcorp); PubMed 12499395 (cited by Labcorp Genetics (formerly Invitae), Labcorp); PubMed 12970296 (cited by Labcorp Genetics (formerly Invitae), Labcorp); PubMed 14764812 (cited by Labcorp Genetics (formerly Invitae), Labcorp); PubMed 16752916 (cited by Labcorp Genetics (formerly Invitae), Labcorp); PubMed 25332687 (cited by Labcorp Genetics (formerly Invitae), Labcorp); PubMed 31002796 (cited by Labcorp Genetics (formerly Invitae), Labcorp).